The following is an entry in ClinVar:

NM_178172.6(GPIHBP1):c.91G>A (p.Glu31Lys)

Gene: GPIHBP1 (glycosylphosphatidylinositol anchored high density lipoprotein binding protein 1; plus strand). Cytogenetic location: 8q24.3.
Variant type: single nucleotide variant.
Coding change: c.91G>A on transcript NM_178172.6 (MANE Select); coding-DNA position 91, G replaced by A.
Protein change: p.Glu31Lys; replaces glutamic acid 31 with lysine.
Molecular consequence: missense variant.
Genome position (GRCh38, 1-based): chr8:143,213,860, G>A. VCF-style: chr8-143213860-G-A. GRCh37 (hg19) VCF-style: chr8-144295735-G-A.
Other names: c.91G>A, p.Glu31Lys (NM_001301772.2); short protein forms E31K.
Identifiers: ClinVar variation 1766172 (VCV001766172.2), dbSNP rs1354445206, ClinGen allele CA372401718.
Genomic context (GRCh38, chr8:143,213,860, plus strand): 5'-ACAAGCATCCCTGCACGGCCAGGGAGAGGGCAGACACAGCAGGAGGAAGAGGAAGAGGAC[G>A]AGGACCACGGGCCAGATGACTACGACGAGGAAGATGAGGATGAGGTGGAAGAGGAGGAGA-3'
Protein context (NP_835466.2, residues 21-41): QTQQEEEEED[Glu31Lys]DHGPDDYDEE

ClinVar aggregate classification (germline): Uncertain significance (1 of 4 stars; one submission).

Conditions:
Cardiovascular phenotype. Identifiers: MedGen CN230736.

Allele frequency attached by ClinVar (database versions not stated): gnomAD 0.00001; gnomAD exomes 0.00001; TOPMed 0.00001.
gnomAD v4.1: 15 of 1,556,668 alleles (0.00096%); highest among the groups gnomAD compares: East Asian, 0.015%; no homozygotes.

Submission:

Ambry Genetics
Classification: Uncertain significance for Cardiovascular phenotype. Last evaluated: 2021-08-10. Review status: criteria provided, single submitter. Criteria: Ambry Variant Classification Scheme 2023. Collection method: clinical testing. Allele origin: germline.
Comment: The p.E31K variant (also known as c.91G>A), located in coding exon 2 of the GPIHBP1 gene, results from a G to A substitution at nucleotide position 91. The glutamic acid at codon 31 is replaced by lysine, an amino acid with similar properties. This amino acid position is conserved. In addition, this alteration is predicted to be tolerated by in silico analysis. Since supporting evidence is limited at this time, the clinical significance of this alteration remains unclear.